The following is an entry in ClinVar:

NM_017636.4(TRPM4):c.1120G>C (p.Glu374Gln)

Gene: TRPM4 (transient receptor potential cation channel subfamily M member 4; plus strand). Cytogenetic location: 19q13.33.
Variant type: single nucleotide variant.
Coding change: c.1120G>C on transcript NM_017636.4 (MANE Select); coding-DNA position 1120, G replaced by C.
Protein change: p.Glu374Gln; replaces glutamic acid 374 with glutamine.
Molecular consequence: missense variant. On other transcripts: 5 prime UTR variant (1), intron variant (1).
Genome position (GRCh38, 1-based): chr19:49,172,078, G>C. VCF-style: chr19-49172078-G-C. GRCh37 (hg19) VCF-style: chr19-49675335-G-C.
Other names: c.1120G>C, p.Glu374Gln (NM_001195227.2); c.775G>C, p.Glu259Gln (NM_001321281.2); c.-434G>C (NM_001321282.2); c.598G>C, p.Glu200Gln (NM_001321283.2); c.201+309G>C (NM_001321285.2); short protein forms E259Q, E200Q, E374Q.
Identifiers: ClinVar variation 1797757 (VCV001797757.2), dbSNP rs758836432, ClinGen allele CA406795535.

ClinVar aggregate classification (germline): Uncertain significance (1 of 4 stars; one submission).

Conditions:
Cardiovascular phenotype. Identifiers: MedGen CN230736.

Submission:

Ambry Genetics
Classification: Uncertain significance for Cardiovascular phenotype. Last evaluated: 2020-12-07. Review status: criteria provided, single submitter. Criteria: Ambry Variant Classification Scheme 2023. Collection method: clinical testing. Allele origin: germline.
Comment: The p.E374Q variant (also known as c.1120G>C), located in coding exon 9 of the TRPM4 gene, results from a G to C substitution at nucleotide position 1120. The glutamic acid at codon 374 is replaced by glutamine, an amino acid with highly similar properties. This amino acid position is well conserved in available vertebrate species. In addition, this alteration is predicted to be tolerated by in silico analysis. Since supporting evidence is limited at this time, the clinical significance of this alteration remains unclear.